The following is an entry in ClinVar:

NM_006445.4(PRPF8):c.3568T>A (p.Cys1190Ser)

Gene: PRPF8 (pre-mRNA processing factor 8; minus strand). Cytogenetic location: 17p13.3.
Variant type: single nucleotide variant.
Coding change: c.3568T>A on transcript NM_006445.4 (MANE Select); coding-DNA position 3568, T replaced by A.
Protein change: p.Cys1190Ser; replaces cysteine 1190 with serine.
Molecular consequence: missense variant.
Genome position (GRCh38, 1-based): chr17:1,673,446, A>T on the plus strand (T>A on the coding strand, the complement: PRPF8 is on the minus strand). VCF-style: chr17-1673446-A-T. GRCh37 (hg19) VCF-style: chr17-1576740-A-T.
Other names: short protein forms C1190S.
Identifiers: ClinVar variation 1046265 (VCV001046265.5), dbSNP rs778213468, ClinGen allele CA8271853.

ClinVar aggregate classification (germline): Uncertain significance (1 of 4 stars; one submission).

Allele frequency attached by ClinVar (database versions not stated): gnomAD exomes below 0.00001; TOPMed below 0.00001; ExAC 0.00001; gnomAD 0.00001.
gnomAD v4.1: 4 of 1,614,032 alleles (0.00025%); highest among the groups gnomAD compares: African/African-American, 0.0053%; no homozygotes.

Submission:

Labcorp Genetics (formerly Invitae), Labcorp
Classification: Uncertain significance. Last evaluated: 2020-11-10. Review status: criteria provided, single submitter. Criteria: Invitae Variant Classification Sherloc (09022015). Collection method: clinical testing. Allele origin: germline.
Comment: This variant is present in population databases (rs778213468, ExAC 0.01%). This sequence change replaces cysteine with serine at codon 1190 of the PRPF8 protein (p.Cys1190Ser). The cysteine residue is moderately conserved and there is a moderate physicochemical difference between cysteine and serine. This variant has not been reported in the literature in individuals with PRPF8-related conditions. Algorithms developed to predict the effect of missense changes on protein structure and function (SIFT, PolyPhen-2, Align-GVGD) all suggest that this variant is likely to be tolerated, but these predictions have not been confirmed by published functional studies and their clinical significance is uncertain. In summary, the available evidence is currently insufficient to determine the role of this variant in disease. Therefore, it has been classified as a Variant of Uncertain Significance.